The following is an entry in ClinVar:

NM_007294.4(BRCA1):c.2980T>C (p.Cys994Arg)

Gene: BRCA1 (BRCA1 DNA repair associated; minus strand). Cytogenetic location: 17q21.31.
Variant type: single nucleotide variant.
Coding change: c.2980T>C on transcript NM_007294.4 (MANE Select); coding-DNA position 2980, T replaced by C.
Protein change: p.Cys994Arg; replaces cysteine 994 with arginine.
Molecular consequence: missense variant. On other transcripts: intron variant (137).
Genome position (GRCh38, 1-based): chr17:43,092,551, A>G on the plus strand (T>C on the coding strand, the complement: BRCA1 is on the minus strand). VCF-style: chr17-43092551-A-G. GRCh37 (hg19) VCF-style: chr17-41244568-A-G.
Other names: c.2767T>C, p.Cys923Arg (NM_001407571.1, NM_001407898.1, NM_001407899.1 and 9 more transcripts); c.2980T>C, p.Cys994Arg (NM_001407581.1, NM_001407582.1, NM_001407583.1 and 30 more transcripts); c.2977T>C, p.Cys993Arg (NM_001407587.1, NM_001407590.1, NM_001407591.1 and 22 more transcripts); c.2971T>C, p.Cys991Arg (NM_001407647.1, NM_001407646.1); c.2857T>C, p.Cys953Arg (NM_001407648.1, NM_001407668.1, NM_001407669.1 and 19 more transcripts); c.2854T>C, p.Cys952Arg (NM_001407649.1, NM_001407670.1, NM_001407671.1 and 11 more transcripts); c.2902T>C, p.Cys968Arg (NM_001407653.1, NM_001407654.1, NM_001407655.1 and 4 more transcripts); c.2839T>C, p.Cys947Arg (NM_001407692.1, NM_001407694.1, NM_001407695.1 and 29 more transcripts); and 41 more; short protein forms C994R, C947R, C698R, C866R, C867R, C946R, C991R, C905R.
Identifiers: ClinVar variation 193694 (VCV000193694.24), dbSNP rs144853230, ClinGen allele CA001938.

ClinVar aggregate classification (germline): Conflicting classifications of pathogenicity. Review status: criteria provided, conflicting classifications (1 of 4 stars). 8 submissions from 8 submitters: Uncertain significance (6); Likely benign (2). Last evaluated 2025-04-01.

Conditions:
BRCA1-related disorder. Also called: BRCA1-related condition.
Hereditary breast ovarian cancer syndrome. Also called: Hereditary breast and ovarian cancer syndrome; Hereditary breast and ovarian cancer syndrome (HBOC); BRCA1- and BRCA2-Associated Hereditary Breast and Ovarian Cancer; Breast and ovarian cancer; Hereditary breast and ovarian cancer; Hereditary breast and/or ovarian cancer syndrome. Identifiers: Orphanet 145, MedGen C0677776, MeSH D061325, MONDO:0003582. Disease mechanism: loss of function.
Fanconi anemia, complementation group S (FANCS). Identifiers: MedGen C4554406, MONDO:0054748, OMIM 617883.
Breast-ovarian cancer, familial, susceptibility to, 1 (BROVCA1). Also called: OVARIAN CANCER, SUSCEPTIBILITY TO; BRCA1 Hereditary Breast and Ovarian Cancer. Identifiers: Orphanet 145, MedGen C2676676, MONDO:0011450, OMIM 604370. Disease mechanism: loss of function.
Hereditary cancer-predisposing syndrome. Also called: Hereditary Cancer Syndrome; Hereditary neoplastic syndrome; Tumor predisposition; Neoplastic Syndromes, Hereditary. Identifiers: Orphanet 140162, MedGen C0027672, MeSH D009386, MONDO:0015356.

Allele frequency attached by ClinVar (database versions not stated): gnomAD exomes below 0.00001; ExAC 0.00001; gnomAD 0.00001; 1000 Genomes Project 30x 0.00016; 1000 Genomes Project 0.00020.
gnomAD v4.1: 2 of 1,614,000 alleles (0.00012%); highest among the groups gnomAD compares: African/African-American, 0.0013%; no homozygotes.

Submissions (8):

Myriad Genetics, Inc.
Classification: Likely benign for Breast-ovarian cancer, familial, susceptibility to, 1. Last evaluated: 2025-04-01. Review status: criteria provided, single submitter. Criteria: Myriad Autosomal Dominant, Autosomal Recessive and X-Linked Classification Criteria (2023). Collection method: clinical testing. Allele origin: unknown.
Comment: This variant is considered likely benign. This variant is strongly associated with less severe personal and family histories of cancer, typical for individuals without pathogenic variants in this gene [PMID: 25085752].

PreventionGenetics, part of Exact Sciences
Classification: Uncertain significance for BRCA1-related condition. Last evaluated: 2024-12-21. Review status: criteria provided, single submitter. Criteria: ACMG Guidelines, 2015. Collection method: clinical testing. Allele origin: germline.
Comment: The BRCA1 c.2980T>C variant is predicted to result in the amino acid substitution p.Cys994Arg. To our knowledge, this variant has not been reported in the literature. This variant is reported in 0.0063% of alleles in individuals of African descent in gnomAD and has conflicting interpretations of pathogenicity in ClinVar of uncertain significance and likely benign. This variant occurs within a region of the BRCA1 gene that is predicted to be tolerant to missense variation (Table 2, Dines et al. 2020. PubMed ID: 31911673). Although we suspect that this variant may be benign, at this time, the clinical significance of this variant is uncertain due to the absence of conclusive functional and genetic evidence.

Labcorp Genetics (formerly Invitae), Labcorp
Classification: Uncertain significance for Hereditary breast ovarian cancer syndrome. Last evaluated: 2024-11-24. Review status: criteria provided, single submitter. Criteria: Invitae Variant Classification Sherloc (09022015). Collection method: clinical testing. Allele origin: germline.
Comment: This sequence change replaces cysteine, which is neutral and slightly polar, with arginine, which is basic and polar, at codon 994 of the BRCA1 protein (p.Cys994Arg). This variant is present in population databases (rs144853230, gnomAD 0.007%). This variant has not been reported in the literature in individuals affected with BRCA1-related conditions. ClinVar contains an entry for this variant (Variation ID: 193694). Invitae Evidence Modeling of protein sequence and biophysical properties (such as structural, functional, and spatial information, amino acid conservation, physicochemical variation, residue mobility, and thermodynamic stability) indicates that this missense variant is not expected to disrupt BRCA1 protein function with a negative predictive value of 80%. In summary, the available evidence is currently insufficient to determine the role of this variant in disease. Therefore, it has been classified as a Variant of Uncertain Significance.

Ambry Genetics
Classification: Uncertain significance for Hereditary cancer-predisposing syndrome. Last evaluated: 2023-09-26. Review status: criteria provided, single submitter. Criteria: Ambry Variant Classification Scheme 2023. Collection method: clinical testing. Allele origin: germline.

Department of Pathology and Laboratory Medicine, Sinai Health System
Classification: Uncertain significance for Fanconi anemia, complementation group S. Last evaluated: 2023-06-13. Review status: criteria provided, single submitter. Criteria: ACMG Guidelines, 2015. Collection method: clinical testing. Allele origin: germline. Affected: no.

University of Washington Department of Laboratory Medicine, University of Washington
Classification: Likely benign for Hereditary cancer-predisposing syndrome. Last evaluated: 2023-03-23. Review status: criteria provided, single submitter. Criteria: Dines et al. (Genet Med. 2020). Collection method: curation. Allele origin: germline.
Comment: Missense variant in a coldspot region where missense variants are very unlikely to be pathogenic (PMID:31911673).

BRCA1 coldspot (exon 11 using historical exon numbering). Reclassification based on statistical prior probability

Women's Health and Genetics/Laboratory Corporation of America, LabCorp
Classification: Uncertain significance. Last evaluated: 2021-03-14. Review status: criteria provided, single submitter. Criteria: LabCorp Variant Classification Summary - May 2015. Collection method: clinical testing. Allele origin: germline.
Comment: Variant summary: BRCA1 c.2980T>C (p.Cys994Arg) results in a non-conservative amino acid change in the encoded protein sequence. Four of five in-silico tools predict a benign effect of the variant on protein function. The variant allele was found at a frequency of 4e-06 in 250436 control chromosomes. The available data on variant occurrences in the general population are insufficient to allow any conclusion about variant significance. To our knowledge, no occurrence of c.2980T>C in individuals affected with Hereditary Breast And Ovarian Cancer Syndrome and no experimental evidence demonstrating its impact on protein function have been reported. Two clinical diagnostic laboratories have submitted clinical-significance assessments for this variant to ClinVar after 2014 without evidence for independent evaluation. All laboratories classified the variant as uncertain significance. Based on the evidence outlined above, the variant was classified as uncertain significance.

Eurofins Ntd Llc (ga)
Classification: Uncertain significance. Last evaluated: 2014-09-16. Review status: criteria provided, single submitter. Criteria: EGL Classification Definitions 2015. Collection method: clinical testing. Allele origin: germline. Observed: 1 variant allele, 1 heterozygote.

Literature cited by the submitters: PubMed 25085752 (cited by Myriad Genetics, Inc.).